The following is an entry in ClinVar:

ClinVar aggregate classification (germline): Benign/Likely benign. Review status: criteria provided, multiple submitters, no conflicts (2 of 4 stars). 4 submissions from 4 submitters: Benign (1); Likely benign (3). Last evaluated 2026-01-24.

Conditions:
Citrullinemia. Identifiers: Orphanet 187, MedGen C0175683, MONDO:0015991.

Allele frequency attached by ClinVar (database versions not stated): gnomAD exomes 0.00006 and 0.00025; ExAC 0.00038; gnomAD 0.00078 and 0.00081; TOPMed 0.00084; ESP Exome Variant Server 0.00100; 1000 Genomes Project 0.00140; 1000 Genomes Project 30x 0.00141.
gnomAD v4.1: 215 of 1,613,918 alleles (0.013%); highest among the groups gnomAD compares: African/African-American, 0.24%; no homozygotes.

Submissions (4):

Labcorp Genetics (formerly Invitae), Labcorp
Classification: Benign for Citrullinemia. Last evaluated: 2026-01-24. Review status: criteria provided, single submitter. Criteria: Invitae Variant Classification Sherloc (09022015). Collection method: clinical testing. Allele origin: germline.

GeneDx
Classification: Likely benign. Last evaluated: 2016-08-09. Review status: criteria provided, single submitter. Criteria: GeneDx Variant Classification (06012015). Collection method: clinical testing. Allele origin: germline. Affected: yes.
Comment: This variant is considered likely benign or benign based on one or more of the following criteria: it is a conservative change, it occurs at a poorly conserved position in the protein, it is predicted to be benign by multiple in silico algorithms, and/or has population frequency not consistent with disease.

Breakthrough Genomics
Classification: Likely benign. Review status: criteria provided, single submitter. Criteria: ACMG Guidelines, 2015. Collection method: not provided. Allele origin: germline. Inheritance: Autosomal recessive inheritance. Affected: yes.

PreventionGenetics, part of Exact Sciences
Classification: Likely benign. Review status: criteria provided, single submitter. Criteria: ACMG Guidelines, 2015. Collection method: clinical testing. Allele origin: germline.

NM_054012.4(ASS1):c.99C>T (p.Ala33=)

Gene: ASS1 (argininosuccinate synthase 1; plus strand). Cytogenetic location: 9q34.11.
Variant type: single nucleotide variant.
Coding change: c.99C>T on transcript NM_054012.4 (MANE Select); coding-DNA position 99, C replaced by T.
Protein change: p.Ala33=; no amino-acid change (alanine 33 retained).
Molecular consequence: synonymous variant.
Genome position (GRCh38, 1-based): chr9:130,452,327, C>T. VCF-style: chr9-130452327-C-T. GRCh37 (hg19) VCF-style: chr9-133327714-C-T.
Other names: c.99C>T, p.Ala33= (NM_000050.4).
Identifiers: ClinVar variation 254750 (VCV000254750.14), dbSNP rs147842617, ClinGen allele CA5283141.